The following is an entry in ClinVar:

NM_138694.4(PKHD1):c.6704C>A (p.Thr2235Lys)

Gene: PKHD1 (PKHD1 ciliary IPT domain containing fibrocystin/polyductin; minus strand). Cytogenetic location: 6p12.2.
Variant type: single nucleotide variant.
Coding change: c.6704C>A on transcript NM_138694.4 (MANE Select); coding-DNA position 6704, C replaced by A.
Protein change: p.Thr2235Lys; replaces threonine 2235 with lysine.
Molecular consequence: missense variant.
Genome position (GRCh38, 1-based): chr6:51,906,319, G>T on the plus strand (C>A on the coding strand, the complement: PKHD1 is on the minus strand). VCF-style: chr6-51906319-G-T. GRCh37 (hg19) VCF-style: chr6-51771117-G-T.
Other names: c.6704C>A, p.Thr2235Lys (NM_170724.3); short protein forms T2235K.
Identifiers: ClinVar variation 3029855 (VCV003029855.3), dbSNP rs1162150338, ClinGen allele CA364433095.
Genomic context (GRCh38, chr6:51,906,319, plus strand): 5'-TCCACCTTCAGGCCCAAGGTCCCGCACATGCTGAGGCCTCTACTGAAGGAGTTCCTCACT[G>T]TGCAGCCCTGTATGAAAGACTCTGAATAGGAAAGAGTAAAGTAAAAATTAGATATGGCTC-3'
Protein context (NP_619639.3, residues 2225-2245): AMRESFIQGC[Thr2235Lys]VRNSFSRGLS

ClinVar aggregate classification (germline): Uncertain significance. Review status: criteria provided, single submitter (1 of 4 stars). 2 submissions from 2 submitters: Uncertain significance (1). 1 of the submissions does not count toward it. Last evaluated 2023-12-22.

Conditions:
PKHD1-related disorder. Also called: PKHD1-related condition.

Allele frequency attached by ClinVar (database versions not stated): gnomAD 0.00001; TOPMed 0.00002.
gnomAD v4.1: 5 of 1,610,442 alleles (0.00031%); highest among the groups gnomAD compares: Non-Finnish European, 0.00042%; no homozygotes.

Submissions (2):

GeneDx
Classification: Uncertain significance. Last evaluated: 2023-12-22. Review status: criteria provided, single submitter. Criteria: GeneDx Variant Classification Process June 2021. Collection method: clinical testing. Allele origin: germline. Affected: yes.
Comment: Not observed at significant frequency in large population cohorts (gnomAD); In silico analysis supports that this missense variant does not alter protein structure/function; Has not been previously published as pathogenic or benign to our knowledge

PreventionGenetics, part of Exact Sciences
Classification: Uncertain significance for PKHD1-related condition. Last evaluated: 2023-10-25. Review status: no assertion criteria provided. Collection method: clinical testing. Allele origin: germline. Not counted in ClinVar's aggregate classification.
Comment: The PKHD1 c.6704C>A variant is predicted to result in the amino acid substitution p.Thr2235Lys. To our knowledge, this variant has not been reported in the literature or a large population database, indicating this variant is rare. Of note, a different substitution at the same codon defined as c.6704C>G (p.Thr2235Arg) was reported in a patient with autosomal recessive polycystic kidney disease (ARPKD), but the clinical significance is unknown (Melchionda et al. 2016. PubMed ID: 27225849). Therefore, we highly suspect this variant is pathogenic. At this time, however, the clinical significance of this variant is uncertain due to the absence of conclusive functional and genetic evidence.